The following is an entry in ClinVar:

NM_000264.5(PTCH1):c.2695A>G (p.Ile899Val)

Gene: PTCH1 (patched 1; minus strand). Cytogenetic location: 9q22.32.
Variant type: single nucleotide variant.
Coding change: c.2695A>G on transcript NM_000264.5 (MANE Select); coding-DNA position 2695, A replaced by G.
Protein change: p.Ile899Val; replaces isoleucine 899 with valine.
Molecular consequence: missense variant. On other transcripts: non-coding transcript variant (1).
Genome position (GRCh38, 1-based): chr9:95,461,864, T>C on the plus strand (A>G on the coding strand, the complement: PTCH1 is on the minus strand). VCF-style: chr9-95461864-T-C. GRCh37 (hg19) VCF-style: chr9-98224146-T-C.
Other names: c.2695A>G (NM_000264.4); c.2497A>G, p.Ile833Val (NM_001083602.3); c.2692A>G, p.Ile898Val (NM_001083603.3); c.2242A>G, p.Ile748Val (NM_001083604.3, NM_001083605.3, NM_001083606.3 and 1 more transcripts); c.2539A>G, p.Ile847Val (NM_001354918.2); short protein forms I833V, I899V, I898V, I748V, I847V.
Identifiers: ClinVar variation 221968 (VCV000221968.16), dbSNP rs765371196, ClinGen allele CA072669.

ClinVar aggregate classification (germline): Conflicting classifications of pathogenicity. Review status: criteria provided, conflicting classifications (1 of 4 stars). 5 submissions from 5 submitters: Likely pathogenic (1); Uncertain significance (3); Likely benign (1). Last evaluated 2026-08-23.

Conditions:
Irido-corneo-trabecular dysgenesis (ASGD5). Also called: ANTERIOR SEGMENT DYSGENESIS 5. Identifiers: Orphanet 708, MedGen C0344559, MONDO:0011414, OMIM 604229, HP:0000659.
Hereditary cancer-predisposing syndrome. Also called: Tumor predisposition; Neoplastic Syndromes, Hereditary; Hereditary Cancer Syndrome; Hereditary neoplastic syndrome. Identifiers: Orphanet 140162, MedGen C0027672, MeSH D009386, MONDO:0015356.
Gorlin syndrome. Also called: Basal cell nevus syndrome; Nevoid Basal Cell Carcinoma Syndrome. Identifiers: Orphanet 377, MedGen C0004779, MONDO:0007187.
PTCH1-related disorder. Also called: PTCH1-related disorders; PTCH1-related condition.

Allele frequency attached by ClinVar (database versions not stated): ExAC 0.00002; gnomAD 0.00001; gnomAD exomes 0.00001 and 0.00002; TOPMed 0.00001.
gnomAD v4.1: 7 of 1,614,118 alleles (0.00043%); highest among the groups gnomAD compares: South Asian, 0.0044%; no homozygotes.

Submissions (5):

Ambry Genetics
Classification: Uncertain significance for Hereditary cancer-predisposing syndrome. Last evaluated: 2026-08-23. Review status: criteria provided, single submitter. Criteria: Ambry Variant Classification Scheme 2023. Collection method: clinical testing. Allele origin: germline.

PreventionGenetics, part of Exact Sciences
Classification: Uncertain significance for PTCH1-related condition. Last evaluated: 2025-12-10. Review status: criteria provided, single submitter. Criteria: ACMG Guidelines, 2015. Collection method: clinical testing. Allele origin: germline.
Comment: The PTCH1 c.2695A>G variant is predicted to result in the amino acid substitution p.Ile899Val. This variant was reported in an individual with ocular development anomalies but has not been reported to date in an individual with cancer (Chassaing et al. 2016. PubMed ID: 26893459; Chesneau et al. 2022. PubMed ID: 35170016). This variant is reported in 0.0033% of alleles in individuals of South Asian descent in gnomAD. This variant has conflicting interpretations in ClinVar ranging from likely pathogenic to likely benign (Variation ID: 221968). At this time, the clinical significance of this variant is uncertain due to the absence of conclusive functional and genetic evidence.

Labcorp Genetics (formerly Invitae), Labcorp
Classification: Likely benign for Gorlin syndrome. Last evaluated: 2024-09-18. Review status: criteria provided, single submitter. Criteria: Invitae Variant Classification Sherloc (09022015). Collection method: clinical testing. Allele origin: germline.

Quest Diagnostics Nichols Institute San Juan Capistrano
Classification: Uncertain significance. Last evaluated: 2023-05-23. Review status: criteria provided, single submitter. Criteria: Quest Diagnostics criteria. Collection method: clinical testing. Allele origin: unknown.
Comment: In the published literature, this variant has been reported in at least one individual with Peters’ anomaly (PMIDs: 26893459 (2016) and 35170016 (2022)). In vivo functional studies indicated that this variant results in partial loss of PTCH1 function (PMID: 26893459 (2016)). The frequency of this variant in the general population, 0.000016 (4/251388 chromosomes (Genome Aggregation Database)), is uninformative in the assessment of its pathogenicity. Analysis of this variant using bioinformatics tools for the prediction of the effect of amino acid changes on protein structure and function yielded conflicting predictions that this variant is deleterious or benign. Based on the available information, we are unable to determine the clinical significance of this variant.

Paul Sabatier University EA-4555, Paul Sabatier University
Classification: Likely pathogenic for Irido-corneo-trabecular dysgenesis. Last evaluated: 2013-01-01. Review status: criteria provided, single submitter. Criteria: Chassaing et al. (Genome Res. 2016). Collection method: clinical testing, research. Allele origin: inherited, paternal. Inheritance: Autosomal dominant inheritance. Affected: yes. Observed: 1 heterozygote. Functional consequence: loss_of_function_variant.
Comment: rare variant, functional studies demonstrating is deleterious effect on protein.

Literature cited by the submitters: PubMed 30762128 (cited by Quest Diagnostics Nichols Institute San Juan Capistrano); PubMed 35170016 (cited by Quest Diagnostics Nichols Institute San Juan Capistrano); PubMed 26893459 (cited by Quest Diagnostics Nichols Institute San Juan Capistrano).